The following is an entry in ClinVar:

ClinVar aggregate classification (germline): Uncertain significance (1 of 4 stars; one submission).

Conditions:
Intellectual disability. Also called: Intellectual functioning disability; intellectual disabilities; Intellectual developmental disorder. Identifiers: MedGen C3714756, MeSH D008607, MONDO:0001071, HP:0001249.

Submission:

Labcorp Genetics (formerly Invitae), Labcorp
Classification: Uncertain significance for Intellectual disability. Last evaluated: 2024-04-15. Review status: criteria provided, single submitter. Criteria: Invitae Variant Classification Sherloc (09022015). Collection method: clinical testing. Allele origin: germline.
Comment: This sequence change falls in intron 6 of the GABRB2 gene. It does not directly change the encoded amino acid sequence of the GABRB2 protein. This variant is not present in population databases (gnomAD no frequency). This variant has not been reported in the literature in individuals affected with GABRB2-related conditions. Experimental studies and prediction algorithms are not available or were not evaluated, and the effect of this variant on mRNA splicing is currently unknown. In summary, the available evidence is currently insufficient to determine the role of this variant in disease. Therefore, it has been classified as a Variant of Uncertain Significance.

NM_001371727.1(GABRB2):c.541+14_541+34del

Gene: GABRB2 (gamma-aminobutyric acid type A receptor subunit beta2; minus strand). Cytogenetic location: 5q34.
Variant type: Deletion.
Coding change: c.541+14_541+34del on transcript NM_001371727.1 (MANE Select); bases 14 to 34 of the intron after coding-DNA position 541, 21 bases deleted (AGAATCCAGCTAGACTGGACT).
Molecular consequence: intron variant.
Genome position (GRCh38, 1-based): chr5:161,410,941-161,410,961, AGTCCAGTCTAGCTGGATTCT deleted on the plus strand (AGAATCCAGCTAGACTGGACT on the coding strand, the reverse complement: GABRB2 is on the minus strand). VCF-style (leftmost placement, unchanged base first): chr5-161410940-GAGTCCAGTCTAGCTGGATTCT-G. GRCh37 (hg19) VCF-style: chr5-160837946-GAGTCCAGTCTAGCTGGATTCT-G.
Other names: c.541+14_541+34del (NM_000813.3, NM_021911.3).
Identifiers: ClinVar variation 3649976 (VCV003649976.2).
Genomic context (GRCh38, chr5:161,410,940, plus strand): 5'-AGGGCCTGTGGTCTGGACATGAGCCAGGACTGGAGGCCTCTGCGTAAGAACCTTAAAGCA[GAGTCCAGTCTAGCTGGATTCT>G]CAGAACGACTTACAGCTCTCAATTTCCAAGGTGCAGTTTTGTTCATCCAGTGGGTACCTC-3'